The following is an entry in ClinVar:

NM_030665.4(RAI1):c.2304C>T (p.Gly768=)

Gene: RAI1 (retinoic acid induced 1; plus strand). Cytogenetic location: 17p11.2.
Variant type: single nucleotide variant.
Coding change: c.2304C>T on transcript NM_030665.4 (MANE Select); coding-DNA position 2304, C replaced by T.
Protein change: p.Gly768=; no amino-acid change (glycine 768 retained).
Molecular consequence: synonymous variant.
Genome position (GRCh38, 1-based): chr17:17,795,252, C>T. VCF-style: chr17-17795252-C-T. GRCh37 (hg19) VCF-style: chr17-17698566-C-T.
Other names: c.2304C>T (NM_030665.3).
Identifiers: ClinVar variation 1668709 (VCV001668709.10), dbSNP rs753155088, ClinGen allele CA8418507.
Genomic context (GRCh38, chr17:17,795,252, plus strand): 5'-GGAAAACCTGGGGGATGCTTGTCCCAGGTGGGGATTGCACCCTGGCGAGCTTACCAAGGG[C>T]CTGGAGCAGGGTGGGAAGGCCTCAGATGGCATCAGCAAAGGGGACACCCATGAGGCTTCG-3'
Protein context (NP_109590.3, residues 758-778): WGLHPGELTK[Gly768=]LEQGGKASDG

ClinVar aggregate classification (germline): Benign. Review status: criteria provided, single submitter (1 of 4 stars). 2 submissions from 2 submitters: Benign (1). 1 of the submissions does not count toward it. Last evaluated 2025-10-23.

Conditions:
RAI1-related disorder. Also called: RAI1-related condition.

Allele frequency attached by ClinVar (database versions not stated): ExAC 0.00001; gnomAD 0.00001; gnomAD exomes 0.00001 and 0.00003; TOPMed 0.00002.
gnomAD v4.1: 19 of 1,613,882 alleles (0.0012%); highest among the groups gnomAD compares: Admixed American, 0.017%; 1 homozygote.

Submissions (2):

Labcorp Genetics (formerly Invitae), Labcorp
Classification: Benign. Last evaluated: 2025-10-23. Review status: criteria provided, single submitter. Criteria: Invitae Variant Classification Sherloc (09022015). Collection method: clinical testing. Allele origin: germline.

PreventionGenetics, part of Exact Sciences
Classification: Likely benign for RAI1-related condition. Last evaluated: 2021-04-26. Review status: no assertion criteria provided. Collection method: clinical testing. Allele origin: germline. Not counted in ClinVar's aggregate classification.
Comment: This variant is classified as likely benign based on ACMG/AMP sequence variant interpretation guidelines (Richards et al. 2015 PMID: 25741868, with internal and published modifications).